The following is an entry in ClinVar:

ClinVar aggregate classification (germline): Uncertain significance (1 of 4 stars; one submission).

Conditions:
Hereditary cancer-predisposing syndrome. Also called: Neoplastic Syndromes, Hereditary; Tumor predisposition; Hereditary Cancer Syndrome; Hereditary neoplastic syndrome. Identifiers: Orphanet 140162, MedGen C0027672, MeSH D009386, MONDO:0015356.

Submission:

Ambry Genetics
Classification: Uncertain significance for Hereditary cancer-predisposing syndrome. Last evaluated: 2015-10-14. Review status: criteria provided, single submitter. Criteria: Ambry Variant Classification Scheme 2023. Collection method: clinical testing. Allele origin: germline.
Comment: The p.L726P variant (also known as c.2177T>C), located in coding exon 14 of the CDH1 gene, results from a T to C substitution at nucleotide position 2177. The leucine at codon 726 is replaced by proline, an amino acid with similar properties. This variant was not reported in population based cohorts in the following databases: Database of Single Nucleotide Polymorphisms (dbSNP), NHLBI Exome Sequencing Project (ESP), and 1000 Genomes Project. In the ESP, this variant was not observed in 6498 samples (12996 alleles) with coverage at this position. To date, this alteration has been detected with an allele frequency of approximately 0.001% (greater than 105000 alleles tested) in our clinical cohort. This amino acid position is highly conserved in available vertebrate species. In addition, this alteration is predicted to be deleterious by in silico analysis. Since supporting evidence is limited at this time, the clinical significance of p.L726P remains unclear.

NM_004360.5(CDH1):c.2177T>C (p.Leu726Pro)

Gene: CDH1 (cadherin 1; plus strand). Cytogenetic location: 16q22.1.
Variant type: single nucleotide variant.
Coding change: c.2177T>C on transcript NM_004360.5 (MANE Select); coding-DNA position 2177, T replaced by C.
Protein change: p.Leu726Pro; replaces leucine 726 with proline.
Molecular consequence: missense variant.
Genome position (GRCh38, 1-based): chr16:68,828,186, T>C. VCF-style: chr16-68828186-T-C. GRCh37 (hg19) VCF-style: chr16-68862089-T-C.
Other names: c.1994T>C, p.Leu665Pro (NM_001317184.2); c.629T>C, p.Leu210Pro (NM_001317185.2); c.212T>C, p.Leu71Pro (NM_001317186.2); short protein forms L210P, L726P, L665P, L71P.
Identifiers: ClinVar variation 1787203 (VCV001787203.2), dbSNP rs2543953305, ClinGen allele CA396469291.
Genomic context (GRCh38, chr16:68,828,186, plus strand): 5'-CTTTATCTTTGGCTCTCAACACTTGCTCTGTCTCCCCCACCATCCCAGTTCTGATTCTGC[T>C]GCTCTTGCTGTTTCTTCGGAGGAGAGCGGTGGTCAAAGAGCCCTTACTGCCCCCAGAGGA-3'
Protein context (NP_004351.1, residues 716-736): GILALLILIL[Leu726Pro]LLLFLRRRAV